The following is an entry in ClinVar:

NM_001008537.3(NEXMIF):c.3280A>G (p.Thr1094Ala)

Gene: NEXMIF (neurite extension and migration factor; minus strand). Cytogenetic location: Xq13.3.
Variant type: single nucleotide variant.
Coding change: c.3280A>G on transcript NM_001008537.3 (MANE Select); coding-DNA position 3280, A replaced by G.
Protein change: p.Thr1094Ala; replaces threonine 1094 with alanine.
Molecular consequence: missense variant.
Genome position (GRCh38, 1-based): chrX:74,741,277, T>C on the plus strand (A>G on the coding strand, the complement: NEXMIF is on the minus strand). VCF-style: chrX-74741277-T-C. GRCh37 (hg19) VCF-style: chrX-73961112-T-C.
Other names: short protein forms T1094A.
Identifiers: ClinVar variation 4875286 (VCV004875286.2).

ClinVar aggregate classification (germline): Uncertain significance (1 of 4 stars; one submission).

Submission:

CeGaT Center for Human Genetics Tuebingen
Classification: Uncertain significance. Last evaluated: 2026-06-01. Review status: criteria provided, single submitter. Criteria: CeGaT Center For Human Genetics Tuebingen Variant Classification Criteria Version 2. Collection method: clinical testing. Allele origin: germline. Affected: yes. Observed: 1 variant allele.
Comment: NEXMIF: PM2, PP2, BP4